The following is an entry in ClinVar:

NM_000338.3(SLC12A1):c.828G>A (p.Val276=)

Gene: SLC12A1 (solute carrier family 12 member 1; plus strand). Cytogenetic location: 15q21.1.
Variant type: single nucleotide variant.
Coding change: c.828G>A on transcript NM_000338.3 (MANE Select); coding-DNA position 828, G replaced by A.
Protein change: p.Val276=; no amino-acid change (valine 276 retained).
Molecular consequence: synonymous variant.
Genome position (GRCh38, 1-based): chr15:48,229,292, G>A. VCF-style: chr15-48229292-G-A. GRCh37 (hg19) VCF-style: chr15-48521489-G-A.
Other names: c.828G>A, p.Val276= (NM_001184832.2).
Identifiers: ClinVar variation 316257 (VCV000316257.18), dbSNP rs3825960, ClinGen allele CA7546909.

ClinVar aggregate classification (germline): Benign. Review status: criteria provided, multiple submitters, no conflicts (2 of 4 stars). 5 submissions from 5 submitters: Benign (5). Last evaluated 2026-01-28.

Conditions:
Bartter disease type 1. Also called: HYPERPROSTAGLANDIN E SYNDROME 1; HYPOKALEMIC ALKALOSIS WITH HYPERCALCIURIA 1, ANTENATAL; Bartter syndrome, type 1, antenatal; Bartter Syndrome type 1. Identifiers: Orphanet 112, Orphanet 620217, MedGen C1866495, MONDO:0100344, OMIM 601678, MONDO:0011127.

Allele frequency attached by ClinVar (database versions not stated): gnomAD 0.00131 and 0.00175; gnomAD exomes 0.00139 and 0.00408; TOPMed 0.00242; 1000 Genomes Project 30x 0.00671; ExAC 0.00720; 1000 Genomes Project 0.00759.
gnomAD v4.1: 2,284 of 1,605,054 alleles (0.14%); highest among the groups gnomAD compares: East Asian, 4.8%; 41 homozygotes.

Submissions (5):

Labcorp Genetics (formerly Invitae), Labcorp
Classification: Benign. Last evaluated: 2026-01-28. Review status: criteria provided, single submitter. Criteria: Invitae Variant Classification Sherloc (09022015). Collection method: clinical testing. Allele origin: germline.

GeneDx
Classification: Benign. Last evaluated: 2020-08-28. Review status: criteria provided, single submitter. Criteria: GeneDx Variant Classification Process June 2021. Collection method: clinical testing. Allele origin: germline. Affected: yes.

Illumina Laboratory Services, Illumina
Classification: Benign for Bartter disease type 1. Last evaluated: 2018-01-13. Review status: criteria provided, single submitter. Criteria: ICSL Variant Classification Criteria 13 December 2019. Collection method: clinical testing. Allele origin: germline.
Comment: This variant was observed in the ICSL laboratory as part of a predisposition screen in an ostensibly healthy population. It had not been previously curated by ICSL or reported in the Human Gene Mutation Database (HGMD: prior to June 1st, 2018), and was therefore a candidate for classification through an automated scoring system. Utilizing variant allele frequency, disease prevalence and penetrance estimates, and inheritance mode, an automated score was calculated to assess if this variant is too frequent to cause the disease. Based on the score and internal cut-off values, a variant classified as benign is not then subjected to further curation. The score for this variant resulted in a classification of benign for this disease.

Athena Diagnostics
Classification: Benign. Last evaluated: 2017-09-18. Review status: criteria provided, single submitter. Criteria: Athena Diagnostics Criteria. Collection method: clinical testing. Allele origin: germline.

Breakthrough Genomics
Classification: Benign. Review status: criteria provided, single submitter. Criteria: ACMG Guidelines, 2015. Collection method: not provided. Allele origin: germline. Inheritance: Autosomal recessive inheritance. Affected: yes.

Literature cited by the submitters: PubMed 24550759 (cited by Athena Diagnostics).